The following is an entry in ClinVar:

NM_003482.4(KMT2D):c.934G>C (p.Ala312Pro)

Gene: KMT2D (lysine methyltransferase 2D; minus strand). Cytogenetic location: 12q13.12.
Variant type: single nucleotide variant.
Coding change: c.934G>C on transcript NM_003482.4 (MANE Select); coding-DNA position 934, G replaced by C.
Protein change: p.Ala312Pro; replaces alanine 312 with proline.
Molecular consequence: missense variant.
Genome position (GRCh38, 1-based): chr12:49,053,227, C>G on the plus strand (G>C on the coding strand, the complement: KMT2D is on the minus strand). VCF-style: chr12-49053227-C-G. GRCh37 (hg19) VCF-style: chr12-49447010-C-G.
Other names: short protein forms A312P.
Identifiers: ClinVar variation 4044505 (VCV004044505.2).

ClinVar aggregate classification (germline): Uncertain significance. Review status: criteria provided, multiple submitters, no conflicts (2 of 4 stars). 2 submissions from 2 submitters: Uncertain significance (2). Last evaluated 2025-09-02.

Conditions:
KMT2D-related disorder. Also called: KMT2D-Related Disorders.
Inborn genetic diseases. Identifiers: MedGen C0950123, MeSH D030342.

Submissions (2):

PreventionGenetics, part of Exact Sciences
Classification: Uncertain significance for KMT2D-related condition. Last evaluated: 2025-09-02. Review status: criteria provided, single submitter. Criteria: ACMG Guidelines, 2015. Collection method: clinical testing. Allele origin: germline.
Comment: The KMT2D c.934G>C variant is predicted to result in the amino acid substitution p.Ala312Pro. To our knowledge, this variant has not been reported in the literature or in a large population database (gnomAD), indicating this variant is rare. At this time, the clinical significance of this variant is uncertain due to the absence of conclusive functional and genetic evidence.

Ambry Genetics
Classification: Uncertain significance for Inborn genetic diseases. Last evaluated: 2025-05-25. Review status: criteria provided, single submitter. Criteria: Ambry Variant Classification Scheme 2023. Collection method: clinical testing. Allele origin: germline.